The following is an entry in ClinVar:

ClinVar aggregate classification (germline): Uncertain significance (1 of 4 stars; one submission).

Submission:

Women's Health and Genetics/Laboratory Corporation of America, LabCorp
Classification: Uncertain significance. Last evaluated: 2024-12-18. Review status: criteria provided, single submitter. Criteria: LabCorp Variant Classification Summary - May 2015. Collection method: clinical testing. Allele origin: germline.
Comment: Variant summary: GALNS c.946G>A (p.Gly316Arg) results in a non-conservative amino acid change located in the galactosamine-6-sulfatase; also known as N-acetylgalactosamine-6-sulfatase (GALNS) (IPR035626) of the encoded protein sequence. Five of five in-silico tools predict a damaging effect of the variant on protein function. The variant was absent in 250654 control chromosomes. The available data on variant occurrences in the general population are insufficient to allow any conclusion about variant significance. c.946G>A has been reported in the literature in individuals affected with Niemann-Pick disease type A/B (Almeida_2022). These report(s) do not provide unequivocal conclusions about association of the variant with Mucopolysaccharidosis Type IVA (Morquio Syndrome A). To our knowledge, no experimental evidence demonstrating an impact on protein function has been reported. The following publication have been ascertained in the context of this evaluation (PMID: 35614200).No submitters have cited clinical-significance assessments for this variant to ClinVar. Based on the evidence outlined above, the variant was classified as uncertain significance.

Literature cited by the submitters: PubMed 35614200.

NM_000512.5(GALNS):c.946G>A (p.Gly316Arg)

Gene: GALNS (galactosamine (N-acetyl)-6-sulfatase; minus strand). Cytogenetic location: 16q24.3.
Variant type: single nucleotide variant.
Coding change: c.946G>A on transcript NM_000512.5 (MANE Select); coding-DNA position 946, G replaced by A.
Protein change: p.Gly316Arg; replaces glycine 316 with arginine.
Molecular consequence: missense variant.
Genome position (GRCh38, 1-based): chr16:88,832,054, C>T on the plus strand (G>A on the coding strand, the complement: GALNS is on the minus strand). VCF-style: chr16-88832054-C-T. GRCh37 (hg19) VCF-style: chr16-88898462-C-T.
Other names: c.391G>A, p.Gly131Arg (NM_001323543.2); c.964G>A, p.Gly322Arg (NM_001323544.2); short protein forms G131R, G316R, G322R.
Identifiers: ClinVar variation 3768534 (VCV003768534.1).